The following is an entry in ClinVar:

ClinVar aggregate classification (germline): Uncertain significance (1 of 4 stars; one submission).

Submission:

GeneDx
Classification: Uncertain significance. Last evaluated: 2019-10-11. Review status: criteria provided, single submitter. Criteria: GeneDx Variant Classification Process June 2021. Collection method: clinical testing. Allele origin: germline. Affected: yes.
Comment: Not observed in large population cohorts (Lek et al., 2016); Has not been previously published as pathogenic or benign to our knowledge; In silico analysis, which includes protein predictors and evolutionary conservation, supports that this variant does not alter protein structure/function

NM_000214.3(JAG1):c.23G>A (p.Gly8Asp)

Gene: JAG1 (jagged canonical Notch ligand 1; minus strand). Cytogenetic location: 20p12.2.
Variant type: single nucleotide variant.
Coding change: c.23G>A on transcript NM_000214.3 (MANE Select); coding-DNA position 23, G replaced by A.
Protein change: p.Gly8Asp; replaces glycine 8 with aspartic acid.
Molecular consequence: missense variant.
Genome position (GRCh38, 1-based): chr20:10,673,508, C>T on the plus strand (G>A on the coding strand, the complement: JAG1 is on the minus strand). VCF-style: chr20-10673508-C-T. GRCh37 (hg19) VCF-style: chr20-10654156-C-T.
Other names: short protein forms G8D.
Identifiers: ClinVar variation 1196702 (VCV001196702.2), dbSNP rs993238320, ClinGen allele CA311357573.